The following is an entry in ClinVar:

NM_005321.3(H1-4):c.445_446del (p.Lys149fs)

Gene: H1-4 (H1.4 linker histone, cluster member; plus strand). Cytogenetic location: 6p22.2.
Variant type: Deletion.
Coding change: c.445_446del on transcript NM_005321.3 (MANE Select); coding-DNA positions 445 to 446, 2 bases deleted (AA; older notation c.445_446delAA).
Protein change: p.Lys149fs; shifts the reading frame from lysine 149.
Molecular consequence: frameshift variant.
Genome position (GRCh38, 1-based): chr6:26,156,835-26,156,836, AA deleted. VCF-style (leftmost placement, unchanged base first): chr6-26156834-GAA-G. GRCh37 (hg19) VCF-style: chr6-26157062-GAA-G.
Other names: short protein forms K149fs.
Identifiers: ClinVar variation 2631828 (VCV002631828.1), dbSNP rs2480693825, ClinGen allele CA2695198811.

ClinVar aggregate classification (germline): Pathogenic (1 of 4 stars; one submission).

Conditions:
H1-4-related disorder. Also called: H1-4-related condition.

Submission:

PreventionGenetics, part of Exact Sciences
Classification: Pathogenic for H1-4-related condition. Last evaluated: 2023-08-24. Review status: criteria provided, single submitter. Criteria: ACMG Guidelines, 2015. Collection method: clinical testing. Allele origin: germline.
Comment: The H1-4 c.445_446delAA variant is predicted to result in a frameshift and premature protein termination (p.Lys149Glufs*46). To our knowledge, this variant has not been reported in the literature or in a large population database, indicating this variant is rare. This frameshift variant resides within the same region as other reported de novo chain-terminating variants in H1-4 (see fig 1 from Burkardt et al. 2019. PubMed ID: 31400068). This variant is interpreted as pathogenic.